The following is an entry in ClinVar:

ClinVar aggregate classification (germline): not provided (0 of 4 stars; one submission).

gnomAD v4.1: 4 of 1,614,158 alleles (0.00025%); highest among the groups gnomAD compares: East Asian, 0.0045%; no homozygotes.

Submission:

Human Evolutionary Genetics, Institut Pasteur
No classification provided. Review status: no classification provided. Collection method: not provided. Allele origin: germline.
ClinVar note: Converted during submission from untested to not provided.

NM_001433706.1(NLRP8):c.284G>C (p.Arg95Pro)

Gene: NLRP8 (NLR family pyrin domain containing 8; plus strand). Cytogenetic location: 19q13.43.
Variant type: single nucleotide variant.
Coding change: c.284G>C on transcript NM_001433706.1 (MANE Select); coding-DNA position 284, G replaced by C.
Protein change: p.Arg95Pro; replaces arginine 95 with proline.
Molecular consequence: missense variant.
Genome position (GRCh38, 1-based): chr19:55,948,186, G>C. VCF-style: chr19-55948186-G-C. GRCh37 (hg19) VCF-style: chr19-56459552-G-C.
Other names: NM_176811.2:c.284G>C; c.284G>C, p.Arg95Pro (NM_001317000.1); short protein forms R95P.
Identifiers: ClinVar variation 103330 (VCV000103330.2), dbSNP rs199475833, ClinGen allele CA230425.